The following is an entry in ClinVar:

NM_002430.3(MN1):c.2566G>A (p.Gly856Ser)

Gene: MN1 (MN1 proto-oncogene, transcriptional regulator; minus strand). Cytogenetic location: 22q12.1.
Variant type: single nucleotide variant.
Coding change: c.2566G>A on transcript NM_002430.3 (MANE Select); coding-DNA position 2566, G replaced by A.
Protein change: p.Gly856Ser; replaces glycine 856 with serine.
Molecular consequence: missense variant.
Genome position (GRCh38, 1-based): chr22:27,797,978, C>T on the plus strand (G>A on the coding strand, the complement: MN1 is on the minus strand). VCF-style: chr22-27797978-C-T. GRCh37 (hg19) VCF-style: chr22-28193966-C-T.
Other names: short protein forms G856S.
Identifiers: ClinVar variation 3356227 (VCV003356227.1).

ClinVar aggregate classification (germline): Uncertain significance (0 of 4 stars; one submission).

Conditions:
MN1-related disorder. Also called: MN1-related condition.

gnomAD v4.1: 9 of 1,592,452 alleles (0.00057%); highest among the groups gnomAD compares: Admixed American, 0.0018%; no homozygotes.

Submission:

PreventionGenetics, part of Exact Sciences
Classification: Uncertain significance for MN1-related condition. Last evaluated: 2024-06-18. Review status: no assertion criteria provided. Collection method: clinical testing. Allele origin: germline.
Comment: The MN1 c.2566G>A variant is predicted to result in the amino acid substitution p.Gly856Ser. To our knowledge, this variant has not been reported in the literature. This variant is reported in 0.0037% of alleles in individuals of South Asian descent in gnomAD. At this time, the clinical significance of this variant is uncertain due to the absence of conclusive functional and genetic evidence.